The following is an entry in ClinVar:

NM_032043.3(BRIP1):c.2859C>G (p.Thr953=)

Gene: BRIP1 (BRCA1 interacting DNA helicase 1; minus strand). Cytogenetic location: 17q23.2.
Variant type: single nucleotide variant.
Coding change: c.2859C>G on transcript NM_032043.3 (MANE Select); coding-DNA position 2859, C replaced by G.
Protein change: p.Thr953=; no amino-acid change (threonine 953 retained).
Molecular consequence: synonymous variant.
Genome position (GRCh38, 1-based): chr17:61,685,882, G>C on the plus strand (C>G on the coding strand, the complement: BRIP1 is on the minus strand). VCF-style: chr17-61685882-G-C. GRCh37 (hg19) VCF-style: chr17-59763243-G-C.
Identifiers: ClinVar variation 3378898 (VCV003378898.1).

ClinVar aggregate classification (germline): Benign (1 of 4 stars; one submission).

Conditions:
Familial cancer of breast. Also called: hereditary breast carcinoma; Hereditary breast cancer; BREAST CANCER, FAMILIAL. Identifiers: Orphanet 227535, MedGen C0346153, MONDO:0016419, OMIM 114480. Disease mechanism: loss of function.

Submission:

Myriad Genetics, Inc.
Classification: Benign for Familial cancer of breast. Last evaluated: 2024-09-09. Review status: criteria provided, single submitter. Criteria: Myriad Autosomal Dominant, Autosomal Recessive and X-Linked Classification Criteria (2023). Collection method: clinical testing. Allele origin: unknown.
Comment: This variant is considered benign. This variant is a silent/synonymous amino acid change and it is not expected to impact splicing.